The following is an entry in ClinVar:

ClinVar aggregate classification (germline): Likely pathogenic (1 of 4 stars; one submission).

Submission:

GeneDx
Classification: Likely pathogenic. Last evaluated: 2023-07-18. Review status: criteria provided, single submitter. Criteria: GeneDx Variant Classification Process June 2021. Collection method: clinical testing. Allele origin: germline. Affected: yes.
Comment: Not observed at significant frequency in large population cohorts (gnomAD); In silico analysis supports that this missense variant has a deleterious effect on protein structure/function; Has not been previously published as pathogenic or benign to our knowledge

NM_001378414.1(HDAC4):c.721C>T (p.Leu241Phe)

Gene: HDAC4 (histone deacetylase 4; minus strand). Cytogenetic location: 2q37.3.
Variant type: single nucleotide variant.
Coding change: c.721C>T on transcript NM_001378414.1 (MANE Select); coding-DNA position 721, C replaced by T.
Protein change: p.Leu241Phe; replaces leucine 241 with phenylalanine.
Molecular consequence: missense variant.
Genome position (GRCh38, 1-based): chr2:239,156,664, G>A on the plus strand (C>T on the coding strand, the complement: HDAC4 is on the minus strand). VCF-style: chr2-239156664-G-A. GRCh37 (hg19) VCF-style: chr2-240078360-G-A.
Other names: c.721C>T, p.Leu241Phe (NM_001378415.1, NM_001378416.1, NM_001378417.1 and 1 more transcripts); short protein forms L241F.
Identifiers: ClinVar variation 1305765 (VCV001305765.3), dbSNP rs2152951164, ClinGen allele CA351271518.
Genomic context (GRCh38, chr2:239,156,664, plus strand): 5'-GTGCCCGTGCAGGAGACCTCCCGGCCCACAGCATGCCTGGGCACTGACCTGTTTTCCTAA[G>A]AGGGAAGTCATCTTTGGCGTCGTACATTCCCAGGACCGGGTGGTTATAGGAGGTCGACAC-3'
Protein context (NP_001365343.1, residues 231-251): GMYDAKDDFP[Leu241Phe]RKTASEPNLK